The following is an entry in ClinVar:

ClinVar aggregate classification (germline): Likely benign. Review status: criteria provided, multiple submitters, no conflicts (2 of 4 stars). 3 submissions from 3 submitters: Likely benign (2). 1 of the submissions does not count toward it. Last evaluated 2025-04-03.

Conditions:
TBC1D8B-related disorder. Also called: TBC1D8B-related condition.

Allele frequency attached by ClinVar (database versions not stated): ESP Exome Variant Server 0.00038; ExAC 0.00043; gnomAD 0.00050; TOPMed 0.00051; gnomAD exomes 0.00064.
gnomAD v4.1: 757 of 1,208,962 alleles (0.063%); highest among the groups gnomAD compares: Non-Finnish European, 0.069%; no homozygotes.

Submissions (3):

Labcorp Genetics (formerly Invitae), Labcorp
Classification: Likely benign. Last evaluated: 2025-04-03. Review status: criteria provided, single submitter. Criteria: Invitae Variant Classification Sherloc (09022015). Collection method: clinical testing. Allele origin: germline.

CeGaT Center for Human Genetics Tuebingen
Classification: Likely benign. Last evaluated: 2023-07-01. Review status: criteria provided, single submitter. Criteria: CeGaT Center For Human Genetics Tuebingen Variant Classification Criteria Version 2. Collection method: clinical testing. Allele origin: germline. Affected: yes. Observed: 2 variant alleles.
Comment: TBC1D8B: BS2

PreventionGenetics, part of Exact Sciences
Classification: Likely benign for TBC1D8B-related condition. Last evaluated: 2022-04-29. Review status: no assertion criteria provided. Collection method: clinical testing. Allele origin: germline. Not counted in ClinVar's aggregate classification.
Comment: This variant is classified as likely benign based on ACMG/AMP sequence variant interpretation guidelines (Richards et al. 2015 PMID: 25741868, with internal and published modifications).

NM_017752.3(TBC1D8B):c.2500G>A (p.Glu834Lys)

Gene: TBC1D8B (TBC1 domain family member 8B; plus strand). Cytogenetic location: Xq22.3.
Variant type: single nucleotide variant.
Coding change: c.2500G>A on transcript NM_017752.3 (MANE Select); coding-DNA position 2500, G replaced by A.
Protein change: p.Glu834Lys; replaces glutamic acid 834 with lysine.
Molecular consequence: missense variant.
Genome position (GRCh38, 1-based): chrX:106,865,871, G>A. VCF-style: chrX-106865871-G-A. GRCh37 (hg19) VCF-style: chrX-106109101-G-A.
Other names: c.2500G>A (NM_017752.2); short protein forms E834K.
Identifiers: ClinVar variation 2063136 (VCV002063136.30), dbSNP rs200442529, ClinGen allele CA10483370.